The following is an entry in ClinVar:

NM_001211.6(BUB1B):c.874G>A (p.Val292Ile)

Gene: BUB1B (BUB1 mitotic checkpoint serine/threonine kinase B; plus strand). Cytogenetic location: 15q15.1.
Variant type: single nucleotide variant.
Coding change: c.874G>A on transcript NM_001211.6 (MANE Select); coding-DNA position 874, G replaced by A.
Protein change: p.Val292Ile; replaces valine 292 with isoleucine.
Molecular consequence: missense variant.
Genome position (GRCh38, 1-based): chr15:40,185,287, G>A. VCF-style: chr15-40185287-G-A. GRCh37 (hg19) VCF-style: chr15-40477488-G-A.
Other names: c.874G>A (NM_001211.5); short protein forms V292I.
Identifiers: ClinVar variation 1038920 (VCV001038920.49), dbSNP rs760345452, ClinGen allele CA7475586.

ClinVar aggregate classification (germline): Uncertain significance. Review status: criteria provided, multiple submitters, no conflicts (2 of 4 stars). 2 submissions from 2 submitters: Uncertain significance (2). Last evaluated 2024-08-03.

Conditions:
Inborn genetic diseases. Identifiers: MedGen C0950123, MeSH D030342.
Mosaic variegated aneuploidy syndrome 1 (MVA1). Also called: Warburton-Anyane-Yeboa syndrome. Identifiers: Orphanet 1052, MedGen C1850343, MONDO:0009759, OMIM 257300.

Allele frequency attached by ClinVar (database versions not stated): TOPMed 0.00001.
gnomAD v4.1: 4 of 1,614,072 alleles (0.00025%); highest among the groups gnomAD compares: East Asian, 0.0089%; no homozygotes.

Submissions (2):

Labcorp Genetics (formerly Invitae), Labcorp
Classification: Uncertain significance for Mosaic variegated aneuploidy syndrome 1. Last evaluated: 2024-08-03. Review status: criteria provided, single submitter. Criteria: Invitae Variant Classification Sherloc (09022015). Collection method: clinical testing. Allele origin: germline.
Comment: This sequence change replaces valine, which is neutral and non-polar, with isoleucine, which is neutral and non-polar, at codon 292 of the BUB1B protein (p.Val292Ile). This variant is present in population databases (rs760345452, gnomAD 0.03%). This variant has not been reported in the literature in individuals affected with BUB1B-related conditions. ClinVar contains an entry for this variant (Variation ID: 1038920). An algorithm developed to predict the effect of missense changes on protein structure and function outputs the following: PolyPhen-2: "Benign". The isoleucine amino acid residue is found in multiple mammalian species, which suggests that this missense change does not adversely affect protein function. In summary, the available evidence is currently insufficient to determine the role of this variant in disease. Therefore, it has been classified as a Variant of Uncertain Significance.

Ambry Genetics
Classification: Uncertain significance for Inborn genetic diseases. Last evaluated: 2023-10-13. Review status: criteria provided, single submitter. Criteria: Ambry Variant Classification Scheme 2023. Collection method: clinical testing. Allele origin: germline.